The following is an entry in ClinVar:

ClinVar aggregate classification (germline): Uncertain significance (1 of 4 stars; one submission).

Conditions:
Hereditary diffuse gastric adenocarcinoma (HDGC). Also called: DIFFUSE GASTRIC AND LOBULAR BREAST CANCER SYNDROME. Identifiers: Orphanet 26106, MedGen C1708349, MONDO:0007648, OMIM 137215.

Submission:

Labcorp Genetics (formerly Invitae), Labcorp
Classification: Uncertain significance for Hereditary diffuse gastric adenocarcinoma. Last evaluated: 2022-09-23. Review status: criteria provided, single submitter. Criteria: Invitae Variant Classification Sherloc (09022015). Collection method: clinical testing. Allele origin: germline.
Comment: This variant is not present in population databases (gnomAD no frequency). This sequence change replaces arginine, which is basic and polar, with proline, which is neutral and non-polar, at codon 63 of the CDH1 protein (p.Arg63Pro). This variant has not been reported in the literature in individuals affected with CDH1-related conditions. Algorithms developed to predict the effect of missense changes on protein structure and function (SIFT, PolyPhen-2, Align-GVGD) all suggest that this variant is likely to be tolerated. In summary, the available evidence is currently insufficient to determine the role of this variant in disease. Therefore, it has been classified as a Variant of Uncertain Significance.

NM_004360.5(CDH1):c.188G>C (p.Arg63Pro)

Gene: CDH1 (cadherin 1; plus strand). Cytogenetic location: 16q22.1.
Variant type: single nucleotide variant.
Coding change: c.188G>C on transcript NM_004360.5 (MANE Select); coding-DNA position 188, G replaced by C.
Protein change: p.Arg63Pro; replaces arginine 63 with proline.
Molecular consequence: missense variant. On other transcripts: 5 prime UTR variant (2).
Genome position (GRCh38, 1-based): chr16:68,801,694, G>C. VCF-style: chr16-68801694-G-C. GRCh37 (hg19) VCF-style: chr16-68835597-G-C.
Other names: c.188G>C, p.Arg63Pro (NM_001317184.2); c.-1428G>C (NM_001317185.2); c.-1632G>C (NM_001317186.2); short protein forms R63P.
Identifiers: ClinVar variation 1720100 (VCV001720100.6), dbSNP rs587780117, ClinGen allele CA396457124.